The following is an entry in ClinVar:

NM_001320.7(CSNK2B):c.107T>C (p.Leu36Pro)

Gene: CSNK2B (casein kinase 2 beta; plus strand). Cytogenetic location: 6p21.33.
Variant type: single nucleotide variant.
Coding change: c.107T>C on transcript NM_001320.7 (MANE Select); coding-DNA position 107, T replaced by C.
Protein change: p.Leu36Pro; replaces leucine 36 with proline.
Molecular consequence: missense variant.
Genome position (GRCh38, 1-based): chr6:31,667,902, T>C. VCF-style: chr6-31667902-T-C. GRCh37 (hg19) VCF-style: chr6-31635679-T-C.
Other names: c.107T>C, p.Leu36Pro (NM_001282385.2); c.107T>C (NM_001320.6); short protein forms L36P.
Identifiers: ClinVar variation 1690342 (VCV001690342.3), dbSNP rs2151185393, ClinGen allele CA363471919.

ClinVar aggregate classification (germline): Pathogenic. Review status: criteria provided, multiple submitters, no conflicts (2 of 4 stars). 3 submissions from 3 submitters: Pathogenic (2). 1 of the submissions does not count toward it. Last evaluated 2024-06-26.

Conditions:
Inborn genetic diseases. Identifiers: MedGen C0950123, MeSH D030342.

Submissions (3):

GeneDx
Classification: Pathogenic. Last evaluated: 2024-06-26. Review status: criteria provided, single submitter. Criteria: GeneDx Variant Classification Process June 2021. Collection method: clinical testing. Allele origin: germline. Affected: yes.
Comment: Not observed at significant frequency in large population cohorts (gnomAD); In silico analysis supports that this missense variant has a deleterious effect on protein structure/function; This variant is associated with the following publications: (PMID: 36833176, 35710456, 28333917)

Ambry Genetics
Classification: Pathogenic for Inborn genetic diseases. Last evaluated: 2024-05-22. Review status: criteria provided, single submitter. Criteria: Ambry Variant Classification Scheme 2023. Collection method: clinical testing. Allele origin: germline.
Comment: The c.107T>C (p.L36P) alteration is located in exon 3 (coding exon 2) of the CSNK2B gene. This alteration results from a T to C substitution at nucleotide position 107, causing the leucine (L) at amino acid position 36 to be replaced by a proline (P). This variant was not reported in population-based cohorts in the Genome Aggregation Database (gnomAD). This variant has been reported de novo in one individual with epilepsy (Vissers, 2017). This amino acid position is highly conserved in available vertebrate species. This missense alteration is located in a region that has a low rate of benign missense variation (Lek, 2016; Firth, 2009). This alteration is predicted to be deleterious by in silico analysis. Based on the available evidence, this alteration is classified as pathogenic.

Joint Genome Diagnostic Labs from Nijmegen and Maastricht, Radboudumc and MUMC+
Classification: Likely pathogenic. Review status: no assertion criteria provided. Collection method: clinical testing. Allele origin: germline. Affected: yes. Not counted in ClinVar's aggregate classification.

Literature cited by the submitters: PubMed 28333917 (cited by Ambry Genetics).